The following is an entry in ClinVar:

NM_000466.3(PEX1):c.1A>C (p.Met1Leu)

Genes: PEX1 (peroxisomal biogenesis factor 1; minus strand), LOC129998796 (ATAC-STARR-seq lymphoblastoid silent region 18372; plus strand). Cytogenetic location: 7q21.2.
Variant type: single nucleotide variant.
Coding change: c.1A>C on transcript NM_000466.3 (MANE Select); coding-DNA position 1, A replaced by C.
Protein change: p.Met1Leu; changes the start codon (methionine 1).
Molecular consequence: missense variant, initiator codon variant. On other transcripts: 5 prime UTR variant (1).
Genome position (GRCh38, 1-based): chr7:92,528,435, T>G on the plus strand (A>C on the coding strand, the complement: PEX1 is on the minus strand). VCF-style: chr7-92528435-T-G. GRCh37 (hg19) VCF-style: chr7-92157749-T-G.
Other names: c.1A>C, p.Met1Leu (NM_001282677.2); c.-659A>C (NM_001282678.2); short protein forms M1L.
Identifiers: ClinVar variation 552166 (VCV000552166.47), dbSNP rs1057517501, ClinGen allele CA368207556.

ClinVar aggregate classification (germline): Pathogenic. Review status: criteria provided, multiple submitters, no conflicts (2 of 4 stars). 3 submissions from 3 submitters: Pathogenic (2). 1 of the submissions does not count toward it. Last evaluated 2024-01-24.

Conditions:
Zellweger spectrum disorders (ZS). Also called: Zellweger Spectrum Disorder (ZSD); Zellweger Spectrum Disorder; Zellweger Spectrum; Zellweger syndrome. Identifiers: Orphanet 912, MedGen C0043459, MONDO:0019609.
Peroxisome biogenesis disorder 1A (Zellweger) (PBD1A). Also called: Zellweger leukodystrophy; Peroxisome biogenesis disorder 1a. Identifiers: MedGen C4721541, MONDO:0008953, OMIM 214100.

Allele frequency attached by ClinVar (database versions not stated): TOPMed below 0.00001.

Submissions (3):

Labcorp Genetics (formerly Invitae), Labcorp
Classification: Pathogenic for Zellweger spectrum disorders. Last evaluated: 2024-01-24. Review status: criteria provided, single submitter. Criteria: Invitae Variant Classification Sherloc (09022015). Collection method: clinical testing. Allele origin: germline.
Comment: This sequence change affects the initiator methionine of the PEX1 mRNA. The next in-frame methionine is located at codon 209. This variant is not present in population databases (gnomAD no frequency). Disruption of the initiator codon has been observed in individuals with Zellweger syndrome (PMID: 21031596, 28468868). ClinVar contains an entry for this variant (Variation ID: 552166). For these reasons, this variant has been classified as Pathogenic.

CeGaT Center for Human Genetics Tuebingen
Classification: Pathogenic. Last evaluated: 2019-03-01. Review status: criteria provided, single submitter. Criteria: CeGaT Center For Human Genetics Tuebingen Variant Classification Criteria Version 2. Collection method: clinical testing. Allele origin: germline. Affected: yes. Observed: 4 variant alleles.

Counsyl
Classification: Likely pathogenic for Peroxisome biogenesis disorder 1A (Zellweger). Last evaluated: 2017-05-24. Review status: no assertion criteria provided. Collection method: clinical testing. Allele origin: unknown. Not counted in ClinVar's aggregate classification.

Literature cited by the submitters: PubMed 21031596 (cited by Labcorp Genetics (formerly Invitae), Labcorp); PubMed 28468868 (cited by Labcorp Genetics (formerly Invitae), Labcorp).